The following is an entry in ClinVar:

ClinVar aggregate classification (germline): Uncertain significance. Review status: criteria provided, multiple submitters, no conflicts (2 of 4 stars). 2 submissions from 2 submitters: Uncertain significance (2). Last evaluated 2026-01-12.

Conditions:
Early-onset myopathy with fatal cardiomyopathy (CMYO5). Also called: Salih Myopathy; CONGENITAL MYOPATHY 5 WITH CARDIOMYOPATHY. Identifiers: Orphanet 289377, MedGen C2673677, MONDO:0012714, OMIM 611705. Disease mechanism: loss of function.
Hypertrophic cardiomyopathy 9. Also called: Familial hypertrophic cardiomyopathy 9. Identifiers: MedGen C1861065, MONDO:0013412, OMIM 613765.
Myopathy, myofibrillar, 9, with early respiratory failure (MFM9). Also called: Hereditary myopathy with early respiratory failure; EDSTROM MYOPATHY; MYOPATHY, PROXIMAL, WITH EARLY RESPIRATORY MUSCLE INVOLVEMENT; Myopathy, distal, with early respiratory failure, autosomal dominant. Identifiers: Orphanet 178464, Orphanet 34521, MedGen C1863599, MONDO:0011362, OMIM 603689.
Tibial muscular dystrophy (TMD). Also called: Tibial muscular dystrophy, tardive; UDD MYOPATHY; Udd Distal Myopathy – Tibial Muscular Dystrophy. Identifiers: Orphanet 609, MedGen C1838244, MONDO:0010870, OMIM 600334.
Dilated cardiomyopathy 1G (CMD1G). Identifiers: Orphanet 154, MedGen C1858763, MONDO:0011400, OMIM 604145.
Autosomal recessive limb-girdle muscular dystrophy type 2J (LGMDR10). Also called: Limb-girdle muscular dystrophy, type 2J; MUSCULAR DYSTROPHY, LIMB-GIRDLE, AUTOSOMAL RECESSIVE 10. Identifiers: Orphanet 140922, MedGen C1837342, MONDO:0012127, OMIM 608807.

Allele frequency attached by ClinVar (database versions not stated): TOPMed below 0.00001.
gnomAD v4.1: 1 of 1,613,748 alleles (0.000062%); highest among the groups gnomAD compares: South Asian, 0.0011%; no homozygotes.

Submissions (2):

Labcorp Genetics (formerly Invitae), Labcorp
Classification: Uncertain significance for Dilated cardiomyopathy 1G; Autosomal recessive limb-girdle muscular dystrophy type 2J. Last evaluated: 2026-01-12. Review status: criteria provided, single submitter. Criteria: Invitae Variant Classification Sherloc (09022015). Collection method: clinical testing. Allele origin: germline.
Comment: This sequence change replaces glutamic acid with glutamine at codon 34880 of the TTN protein (p.Glu34880Gln). There is a small physicochemical difference between glutamic acid and glutamine. This variant is not present in population databases (gnomAD no frequency). This variant has not been reported in the literature in individuals affected with TTN-related conditions. ClinVar contains an entry for this variant (Variation ID: 1487346). Experimental studies and prediction algorithms are not available or were not evaluated, and the functional significance of this variant is currently unknown. This variant is located in the M band of TTN (PMID: 25589632). Non-truncating variants in this region may be relevant for neuromuscular disorders, but have not been definitively shown to cause cardiomyopathy (PMID: 23975875). In summary, the available evidence is currently insufficient to determine the role of this variant in disease. Therefore, it has been classified as a Variant of Uncertain Significance.

Fulgent Genetics
Classification: Uncertain significance for Tibial muscular dystrophy; Myopathy, myofibrillar, 9, with early respiratory failure; Dilated cardiomyopathy 1G; Autosomal recessive limb-girdle muscular dystrophy type 2J; Early-onset myopathy with fatal cardiomyopathy; Hypertrophic cardiomyopathy 9. Last evaluated: 2021-10-26. Review status: criteria provided, single submitter. Criteria: ACMG Guidelines, 2015. Collection method: clinical testing. Allele origin: unknown.

Literature cited by the submitters: PubMed 25589632 (cited by Labcorp Genetics (formerly Invitae), Labcorp); PubMed 23975875 (cited by Labcorp Genetics (formerly Invitae), Labcorp).

NM_001267550.2(TTN):c.104638G>C (p.Glu34880Gln)

Genes: TTN (titin; minus strand), TTN-AS1 (TTN antisense RNA 1; plus strand). Cytogenetic location: 2q31.2.
Variant type: single nucleotide variant.
Coding change: c.104638G>C on transcript NM_001267550.2 (MANE Select); coding-DNA position 104638, G replaced by C.
Protein change: p.Glu34880Gln; replaces glutamic acid 34880 with glutamine.
Molecular consequence: missense variant.
Genome position (GRCh38, 1-based): chr2:178,531,977, C>G on the plus strand (G>C on the coding strand, the complement: TTN is on the minus strand). VCF-style: chr2-178531977-C-G. GRCh37 (hg19) VCF-style: chr2-179396704-C-G.
Other names: c.99715G>C, p.Glu33239Gln (NM_001256850.1); c.77443G>C, p.Glu25815Gln (NM_003319.4); c.96934G>C, p.Glu32312Gln (NM_133378.4); c.77818G>C, p.Glu25940Gln (NM_133432.3); c.78019G>C, p.Glu26007Gln (NM_133437.4); short protein forms E25815Q, E25940Q, E26007Q, E32312Q, E33239Q, E34880Q.
Identifiers: ClinVar variation 1487346 (VCV001487346.7), dbSNP rs1404462483, ClinGen allele CA349411241.